The following is an entry in ClinVar:

NM_025099.6(CTC1):c.136G>T (p.Val46Leu)

Gene: CTC1 (CST telomere replication complex component 1; minus strand). Cytogenetic location: 17p13.1.
Variant type: single nucleotide variant.
Coding change: c.136G>T on transcript NM_025099.6 (MANE Select); coding-DNA position 136, G replaced by T.
Protein change: p.Val46Leu; replaces valine 46 with leucine.
Molecular consequence: missense variant. On other transcripts: non-coding transcript variant (1).
Genome position (GRCh38, 1-based): chr17:8,243,046, C>A on the plus strand (G>T on the coding strand, the complement: CTC1 is on the minus strand). VCF-style: chr17-8243046-C-A. GRCh37 (hg19) VCF-style: chr17-8146364-C-A.
Other names: c.136G>T, p.Val46Leu (NM_001411067.1); short protein forms V46L.
Identifiers: ClinVar variation 4750273 (VCV004750273.1).

ClinVar aggregate classification (germline): Uncertain significance (1 of 4 stars; one submission).

Conditions:
Dyskeratosis congenita. Identifiers: Orphanet 1775, MedGen C0265965, MONDO:0015780.

gnomAD v4.1: 1 of 1,613,914 alleles (0.000062%); highest among the groups gnomAD compares: Non-Finnish European, 0.000085%; no homozygotes.

Submission:

Labcorp Genetics (formerly Invitae), Labcorp
Classification: Uncertain significance for Dyskeratosis congenita. Last evaluated: 2025-09-15. Review status: criteria provided, single submitter. Criteria: Invitae Variant Classification Sherloc (09022015). Collection method: clinical testing. Allele origin: germline.
Comment: This sequence change replaces valine, which is neutral and non-polar, with leucine, which is neutral and non-polar, at codon 46 of the CTC1 protein (p.Val46Leu). This variant is not present in population databases (gnomAD no frequency). This variant has not been reported in the literature in individuals affected with CTC1-related conditions. An algorithm developed to predict the effect of missense changes on protein structure and function (PolyPhen-2) suggests that this variant is likely to be disruptive. In summary, the available evidence is currently insufficient to determine the role of this variant in disease. Therefore, it has been classified as a Variant of Uncertain Significance.